The following is an entry in ClinVar:

ClinVar aggregate classification (germline): Uncertain significance (1 of 4 stars; one submission).

Conditions:
MYBL2-related condition.

Submission:

PreventionGenetics, part of Exact Sciences
Classification: Uncertain significance for MYBL2-related condition. Last evaluated: 2026-08-06. Review status: criteria provided, single submitter. Criteria: ACMG Guidelines, 2015. Collection method: clinical testing. Allele origin: germline.
Comment: The MYBL2 c.1765G>A variant is predicted to result in the amino acid substitution p.Asp589Asn. To our knowledge, this variant has not been reported in the literature or in a large population database (gnomAD), indicating this variant is rare. At this time, the clinical significance of this variant is uncertain due to the absence of conclusive functional and genetic evidence.

NM_002466.4(MYBL2):c.1765G>A (p.Asp589Asn)

Gene: MYBL2 (MYB proto-oncogene like 2; plus strand). Cytogenetic location: 20q13.12.
Variant type: single nucleotide variant.
Coding change: c.1765G>A on transcript NM_002466.4 (MANE Select); coding-DNA position 1765, G replaced by A.
Protein change: p.Asp589Asn; replaces aspartic acid 589 with asparagine.
Molecular consequence: missense variant.
Genome position (GRCh38, 1-based): chr20:43,713,047, G>A. VCF-style: chr20-43713047-G-A. GRCh37 (hg19) VCF-style: chr20-42341687-G-A.
Other names: c.1693G>A, p.Asp565Asn (NM_001278610.2); short protein forms D565N, D589N.
Identifiers: ClinVar variation 3349140 (VCV003349140.2).
Genomic context (GRCh38, chr20:43,713,047, plus strand): 5'-TCTGCCAACCCCTAGCTGCGGCGGAGCCCCATCAAGAAAGTCCGGAAGTCTCTGGCTCTT[G>A]ACATTGTGGATGAGGATGTGAAGCTGATGATGTCCACACTGCCCAAGTCTCTATCCTTGG-3'
Protein context (NP_002457.1, residues 579-599): IKKVRKSLAL[Asp589Asn]IVDEDVKLMM